The following is an entry in ClinVar:

NM_004991.4(MECOM):c.1927A>G (p.Ile643Val)

Gene: MECOM (MDS1 and EVI1 complex locus; minus strand). Cytogenetic location: 3q26.2.
Variant type: single nucleotide variant.
Coding change: c.1927A>G on transcript NM_004991.4 (MANE Select); coding-DNA position 1927, A replaced by G.
Protein change: p.Ile643Val; replaces isoleucine 643 with valine.
Molecular consequence: missense variant. On other transcripts: intron variant (2).
Genome position (GRCh38, 1-based): chr3:169,115,945, T>C on the plus strand (A>G on the coding strand, the complement: MECOM is on the minus strand). VCF-style: chr3-169115945-T-C. GRCh37 (hg19) VCF-style: chr3-168833733-T-C.
Other names: c.1558A>G, p.Ile520Val (NM_001105077.4); c.1363A>G, p.Ile455Val (NM_001105078.4, NM_001164000.2, NM_001205194.2 and 4 more transcripts); c.1366A>G, p.Ile456Val (NM_001163999.2, NM_001366467.2, NM_001366468.2 and 1 more transcripts); c.1927A>G, p.Ile643Val (NM_001366466.2); c.1133-178A>G (NM_001366473.2); c.569-178A>G (NM_001366474.2); short protein forms I643V, I455V, I456V, I520V.
Identifiers: ClinVar variation 4624663 (VCV004624663.1).

ClinVar aggregate classification (germline): Uncertain significance (1 of 4 stars; one submission).

Conditions:
Inborn genetic diseases. Identifiers: MedGen C0950123, MeSH D030342.

gnomAD v4.1: 3 of 1,614,094 alleles (0.00019%); highest among the groups gnomAD compares: Non-Finnish European, 0.00025%; no homozygotes.

Submission:

Ambry Genetics
Classification: Uncertain significance for Inborn genetic diseases. Last evaluated: 2025-10-25. Review status: criteria provided, single submitter. Criteria: Ambry Variant Classification Scheme 2023. Collection method: clinical testing. Allele origin: germline.
Comment: The p.I643V variant (also known as c.1927A>G), located in coding exon 8 of the MECOM gene, results from an A to G substitution at nucleotide position 1927. The isoleucine at codon 643 is replaced by valine, an amino acid with highly similar properties. This amino acid position is conserved. In addition, this alteration is predicted to be tolerated by in silico analysis. Based on the available evidence, the clinical significance of this variant remains unclear.